The following is an entry in ClinVar:

NM_001111125.3(IQSEC2):c.673ACCAGC[3] (p.Ser228_Pro229insThrSer)

Gene: IQSEC2 (IQ motif and Sec7 domain ArfGEF 2; minus strand). Cytogenetic location: Xp11.22.
Variant type: Microsatellite.
Coding change: c.673ACCAGC[3] on transcript NM_001111125.3 (MANE Select); three copies in a row of the 6-base unit ACCAGC starting at c.673; the reference has two copies in a row; one copy, 6 bases duplicated.
Protein change: p.Ser228_Pro229insThrSer.
Genome position (GRCh38, 1-based): chrX:53,320,440-53,320,445, GCTGGT duplicated on the plus strand (ACCAGC on the coding strand, the reverse complement: IQSEC2 is on the minus strand); duplicating any 6 consecutive bases within chrX:53,320,440-53,320,451 gives the same sequence; the position shown is the placement nearest the transcript's 3' end. VCF-style (leftmost placement, unchanged base first): chrX-53320439-G-GGCTGGT. GRCh37 (hg19) VCF-style: chrX-53349637-G-GGCTGGT.
Other names: c.673ACCAGC[3], p.Ser228_Pro229insThrSer (NM_001410736.1).
Identifiers: ClinVar variation 3774857 (VCV003774857.2).

ClinVar aggregate classification (germline): Uncertain significance (1 of 4 stars; one submission).

Submission:

GeneDx
Classification: Uncertain significance. Last evaluated: 2025-04-25. Review status: criteria provided, single submitter. Criteria: GeneDx Variant Classification Process June 2021. Collection method: clinical testing. Allele origin: germline.
Comment: In-frame duplication of 2 amino acids in a non-repeat region; Not observed at significant frequency in large population cohorts (gnomAD); Has not been previously published as pathogenic or benign to our knowledge